The following is an entry in ClinVar:

ClinVar aggregate classification (germline): Uncertain significance (1 of 4 stars; one submission).

Submission:

GeneDx
Classification: Uncertain significance. Last evaluated: 2025-06-22. Review status: criteria provided, single submitter. Criteria: GeneDx Variant Classification Process June 2021. Collection method: clinical testing. Allele origin: germline. Affected: yes.
Comment: Not observed at significant frequency in large population cohorts (gnomAD); In silico analysis suggests that this missense variant does not alter protein structure/function; Has not been previously published as pathogenic or benign to our knowledge

NM_006593.4(TBR1):c.1047C>G (p.Asp349Glu)

Gene: TBR1 (T-box brain transcription factor 1; plus strand). Cytogenetic location: 2q24.2.
Variant type: single nucleotide variant.
Coding change: c.1047C>G on transcript NM_006593.4 (MANE Select); coding-DNA position 1047, C replaced by G.
Protein change: p.Asp349Glu; replaces aspartic acid 349 with glutamic acid.
Molecular consequence: missense variant.
Genome position (GRCh38, 1-based): chr2:161,418,969, C>G. VCF-style: chr2-161418969-C-G. GRCh37 (hg19) VCF-style: chr2-162275480-C-G.
Other names: short protein forms D349E.
Identifiers: ClinVar variation 4538982 (VCV004538982.1).